The following is an entry in ClinVar:

ClinVar aggregate classification (germline): Uncertain significance (1 of 4 stars; one submission).

Conditions:
Progressive myoclonic epilepsy type 7. Identifiers: Orphanet 435438, MedGen C4015420, MONDO:0014521, OMIM 616187.

Submission:

Labcorp Genetics (formerly Invitae), Labcorp
Classification: Uncertain significance for Progressive myoclonic epilepsy type 7. Last evaluated: 2024-02-15. Review status: criteria provided, single submitter. Criteria: Invitae Variant Classification Sherloc (09022015). Collection method: clinical testing. Allele origin: germline.
Comment: This sequence change replaces proline, which is neutral and non-polar, with serine, which is neutral and polar, at codon 571 of the KCNC1 protein (p.Pro571Ser). This variant is not present in population databases (gnomAD no frequency). This variant has not been reported in the literature in individuals affected with KCNC1-related conditions. An algorithm developed to predict the effect of missense changes on protein structure and function (PolyPhen-2) suggests that this variant is likely to be tolerated. In summary, the available evidence is currently insufficient to determine the role of this variant in disease. Therefore, it has been classified as a Variant of Uncertain Significance.

NM_001112741.2(KCNC1):c.1711C>T (p.Pro571Ser)

Gene: KCNC1 (potassium voltage-gated channel subfamily C member 1; plus strand). Cytogenetic location: 11p15.1.
Variant type: single nucleotide variant.
Coding change: c.1711C>T on transcript NM_001112741.2 (MANE Select); coding-DNA position 1711, C replaced by T.
Protein change: p.Pro571Ser; replaces proline 571 with serine.
Molecular consequence: missense variant.
Genome position (GRCh38, 1-based): chr11:17,781,687, C>T. VCF-style: chr11-17781687-C-T. GRCh37 (hg19) VCF-style: chr11-17803234-C-T.
Other names: short protein forms P571S.
Identifiers: ClinVar variation 2755389 (VCV002755389.3), dbSNP rs2497823019, ClinGen allele CA379815675.